The following is an entry in ClinVar:

ClinVar aggregate classification (germline): Pathogenic/Likely pathogenic. Review status: criteria provided, multiple submitters, no conflicts (2 of 4 stars). 2 submissions from 2 submitters: Pathogenic (1); Likely pathogenic (1). Last evaluated 2023-11-11.

Conditions:
Polycystic kidney disease 4 (PKD4). Also called: POLYCYSTIC KIDNEY AND HEPATIC DISEASE 1; POLYCYSTIC KIDNEY DISEASE, INFANTILE, TYPE I; POLYCYSTIC KIDNEY DISEASE 4 WITH OR WITHOUT POLYCYSTIC LIVER DISEASE; PKD3; Autosomal Recessive Polycystic Kidney Disease – PKHD1. Identifiers: MedGen C4540575, MONDO:0033004, OMIM 263200.
Autosomal recessive polycystic kidney disease (ARPKD). Also called: AR polycystic kidney disease. Identifiers: Orphanet 731, Orphanet 8378, MedGen C0085548, MeSH D017044, MONDO:0009889.

Submissions (2):

Baylor Genetics
Classification: Likely pathogenic for Polycystic kidney disease 4. Last evaluated: 2023-11-11. Review status: criteria provided, single submitter. Criteria: ACMG Guidelines, 2015. Collection method: clinical testing. Allele origin: unknown.

Labcorp Genetics (formerly Invitae), Labcorp
Classification: Pathogenic for Autosomal recessive polycystic kidney disease. Last evaluated: 2023-04-27. Review status: criteria provided, single submitter. Criteria: Invitae Variant Classification Sherloc (09022015). Collection method: clinical testing. Allele origin: germline.
Comment: For these reasons, this variant has been classified as Pathogenic. This variant has not been reported in the literature in individuals affected with PKHD1-related conditions. This variant is not present in population databases (gnomAD no frequency). This sequence change creates a premature translational stop signal (p.Ser3646*) in the PKHD1 gene. It is expected to result in an absent or disrupted protein product. Loss-of-function variants in PKHD1 are known to be pathogenic (PMID: 19940839).

Literature cited by the submitters: PubMed 19940839 (cited by Labcorp Genetics (formerly Invitae), Labcorp).

NM_138694.4(PKHD1):c.10937C>G (p.Ser3646Ter)

Gene: PKHD1 (PKHD1 ciliary IPT domain containing fibrocystin/polyductin; minus strand). Cytogenetic location: 6p12.3.
Variant type: single nucleotide variant.
Coding change: c.10937C>G on transcript NM_138694.4 (MANE Select); coding-DNA position 10937, C replaced by G.
Protein change: p.Ser3646Ter; replaces serine 3646 with a stop codon.
Molecular consequence: nonsense.
Genome position (GRCh38, 1-based): chr6:51,659,189, G>C on the plus strand (C>G on the coding strand, the complement: PKHD1 is on the minus strand). VCF-style: chr6-51659189-G-C. GRCh37 (hg19) VCF-style: chr6-51523987-G-C.
Other names: short protein forms S3646*.
Identifiers: ClinVar variation 2859745 (VCV002859745.4), dbSNP rs2533435674, ClinGen allele CA364431102.